The following is an entry in ClinVar:

ClinVar aggregate classification (germline): Likely benign. Review status: criteria provided, single submitter (1 of 4 stars). 2 submissions from 2 submitters: Likely benign (1). 1 of the submissions does not count toward it. Last evaluated 2024-10-16.

Conditions:
TGIF1-related disorder. Also called: TGIF1-related condition.

Allele frequency attached by ClinVar (database versions not stated): ExAC 0.00001; gnomAD 0.00008; gnomAD exomes 0.00011.

Submissions (2):

Blueprint Genetics
Classification: Likely benign. Last evaluated: 2024-10-16. Review status: criteria provided, single submitter. Criteria: ACMG Guidelines, 2015. Collection method: clinical testing. Allele origin: germline.

PreventionGenetics, part of Exact Sciences
Classification: Likely benign for TGIF1-related condition. Last evaluated: 2022-01-07. Review status: no assertion criteria provided. Collection method: clinical testing. Allele origin: germline. Not counted in ClinVar's aggregate classification.
Comment: This variant is classified as likely benign based on ACMG/AMP sequence variant interpretation guidelines (Richards et al. 2015 PMID: 25741868, with internal and published modifications).

NM_003244.4(TGIF1):c.16+1723del

Gene: TGIF1 (TGFB induced factor homeobox 1; plus strand). Cytogenetic location: 18p11.31.
Variant type: Deletion.
Coding change: c.16+1723del on transcript NM_003244.4 (MANE Select); 1723 bases into the intron after coding-DNA position 16, one base deleted (T; older notation c.16+1723delT).
Molecular consequence: intron variant. On other transcripts: 5 prime UTR variant (1).
Genome position (GRCh38, 1-based): chr18:3,452,228, T deleted. VCF-style (leftmost placement, unchanged base first): chr18-3452227-CT-C. GRCh37 (hg19) VCF-style: chr18-3452225-CT-C.
Other names: c.-199del (NM_170695.5); c.-44-4126del (NM_174886.3, NM_001278686.3); c.59-4126del (NM_173207.4); c.-45+3689del (NM_001374396.1); c.25+2572del (NM_001278682.2); c.16+1723del (NM_173208.3, NM_001278684.2); c.-45+2158del (NM_173209.3); c.-45+453del (NM_173210.4); and 1 more.
Identifiers: ClinVar variation 3046419 (VCV003046419.3), dbSNP rs780454778, ClinGen allele CA8875799.